The following is an entry in ClinVar:

ClinVar aggregate classification (germline): Uncertain significance. Review status: criteria provided, multiple submitters, no conflicts (2 of 4 stars). 2 submissions from 2 submitters: Uncertain significance (2). Last evaluated 2025-12-08.

Conditions:
Parkinson disease 17 (PARK17). Also called: VPS35-Related Parkinson Disease. Identifiers: Orphanet 411602, MedGen C3280133, MONDO:0013625, OMIM 614203.

gnomAD v4.1: 10 of 1,614,052 alleles (0.00062%); highest among the groups gnomAD compares: East Asian, 0.02%; no homozygotes.

Submissions (2):

Labcorp Genetics (formerly Invitae), Labcorp
Classification: Uncertain significance for Parkinson disease 17. Last evaluated: 2025-12-08. Review status: criteria provided, single submitter. Criteria: Invitae Variant Classification Sherloc (09022015). Collection method: clinical testing. Allele origin: germline.
Comment: This sequence change replaces isoleucine, which is neutral and non-polar, with leucine, which is neutral and non-polar, at codon 706 of the VPS35 protein (p.Ile706Leu). This variant is present in population databases (rs761527195, gnomAD 0.07%). This missense change has been observed in individual(s) with Parkinson disease (PMID: 32171587). ClinVar contains an entry for this variant (Variation ID: 3892860). Invitae Evidence Modeling of protein sequence and biophysical properties (such as structural, functional, and spatial information, amino acid conservation, physicochemical variation, residue mobility, and thermodynamic stability) indicates that this missense variant is not expected to disrupt VPS35 protein function with a negative predictive value of 80%. In summary, the available evidence is currently insufficient to determine the role of this variant in disease. Therefore, it has been classified as a Variant of Uncertain Significance.

Department of Pathology and Laboratory Medicine, Sinai Health System
Classification: Uncertain significance for Parkinson disease 17. Last evaluated: 2021-07-30. Review status: criteria provided, single submitter. Criteria: ACMG Guidelines, 2015. Collection method: research. Allele origin: germline.

Literature cited by the submitters: PubMed 32171587 (cited by Labcorp Genetics (formerly Invitae), Labcorp).

NM_018206.6(VPS35):c.2116A>C (p.Ile706Leu)

Gene: VPS35 (VPS35 retromer complex component; minus strand). Cytogenetic location: 16q11.2.
Variant type: single nucleotide variant.
Coding change: c.2116A>C on transcript NM_018206.6 (MANE Select); coding-DNA position 2116, A replaced by C.
Protein change: p.Ile706Leu; replaces isoleucine 706 with leucine.
Molecular consequence: missense variant.
Genome position (GRCh38, 1-based): chr16:46,661,813, T>G on the plus strand (A>C on the coding strand, the complement: VPS35 is on the minus strand). VCF-style: chr16-46661813-T-G. GRCh37 (hg19) VCF-style: chr16-46695725-T-G.
Other names: short protein forms I706L.
Identifiers: ClinVar variation 3892860 (VCV003892860.2).